The following is an entry in ClinVar:

NM_017947.4(MOCOS):c.1809G>A (p.Trp603Ter)

Gene: MOCOS (molybdenum cofactor sulfurase; plus strand). Cytogenetic location: 18q12.2.
Variant type: single nucleotide variant.
Coding change: c.1809G>A on transcript NM_017947.4 (MANE Select); coding-DNA position 1809, G replaced by A.
Protein change: p.Trp603Ter; replaces tryptophan 603 with a stop codon.
Molecular consequence: nonsense.
Genome position (GRCh38, 1-based): chr18:36,220,066, G>A. VCF-style: chr18-36220066-G-A. GRCh37 (hg19) VCF-style: chr18-33800029-G-A.
Other names: short protein forms W603*.
Identifiers: ClinVar variation 2085322 (VCV002085322.1), dbSNP rs1699077839, ClinGen allele CA402223578.

ClinVar aggregate classification (germline): Pathogenic (1 of 4 stars; one submission).

Conditions:
Xanthinuria type II. Also called: Xanthine dehydrogenase and aldehyde oxidase combined deficiency of; XDH and AOX dual deficiency. Identifiers: Orphanet 3467, Orphanet 93602, MedGen C1863688, MONDO:0011346, OMIM 603592.

Allele frequency attached by ClinVar (database versions not stated): TOPMed below 0.00001; gnomAD 0.00001; gnomAD exomes 0.00001.
gnomAD v4.1: 11 of 1,612,912 alleles (0.00068%); highest among the groups gnomAD compares: Non-Finnish European, 0.00085%; no homozygotes.

Submission:

Labcorp Genetics (formerly Invitae), Labcorp
Classification: Pathogenic for Xanthinuria type II. Last evaluated: 2022-06-27. Review status: criteria provided, single submitter. Criteria: Invitae Variant Classification Sherloc (09022015). Collection method: clinical testing. Allele origin: germline.
Comment: This sequence change creates a premature translational stop signal (p.Trp603*) in the MOCOS gene. It is expected to result in an absent or disrupted protein product. Loss-of-function variants in MOCOS are known to be pathogenic (PMID: 11302742, 17368066). This variant is not present in population databases (gnomAD no frequency). This variant has not been reported in the literature in individuals affected with MOCOS-related conditions. Algorithms developed to predict the effect of sequence changes on RNA splicing suggest that this variant may create or strengthen a splice site. For these reasons, this variant has been classified as Pathogenic.

Literature cited by the submitters: PubMed 11302742; PubMed 17368066.